The following is an entry in ClinVar:

ClinVar aggregate classification (germline): Uncertain significance (1 of 4 stars; one submission).

Conditions:
Hereditary cancer-predisposing syndrome. Also called: Neoplastic Syndromes, Hereditary; Tumor predisposition; Hereditary neoplastic syndrome; Hereditary Cancer Syndrome. Identifiers: Orphanet 140162, MedGen C0027672, MeSH D009386, MONDO:0015356.

Submission:

Ambry Genetics
Classification: Uncertain significance for Hereditary cancer-predisposing syndrome. Last evaluated: 2026-07-07. Review status: criteria provided, single submitter. Criteria: Ambry Variant Classification Scheme 2023. Collection method: clinical testing. Allele origin: germline.
Comment: The p.P483S variant (also known as c.1447C>T), located in coding exon 11 of the SDHA gene, results from a C to T substitution at nucleotide position 1447. The proline at codon 483 is replaced by serine, an amino acid with similar properties. This amino acid position is conserved. In addition, this alteration is predicted to be tolerated by in silico analysis. Based on the available evidence, the clinical significance of this variant remains unclear.

NM_004168.4(SDHA):c.1447C>T (p.Pro483Ser)

Gene: SDHA (succinate dehydrogenase complex flavoprotein subunit A; plus strand). Cytogenetic location: 5p15.33.
Variant type: single nucleotide variant.
Coding change: c.1447C>T on transcript NM_004168.4 (MANE Select); coding-DNA position 1447, C replaced by T.
Protein change: p.Pro483Ser; replaces proline 483 with serine.
Molecular consequence: missense variant.
Genome position (GRCh38, 1-based): chr5:240,372, C>T. VCF-style: chr5-240372-C-T. GRCh37 (hg19) VCF-style: chr5-240487-C-T.
Other names: c.1303C>T, p.Pro435Ser (NM_001294332.2); c.1447C>T, p.Pro483Ser (NM_001330758.2); short protein forms P435S, P483S.
Identifiers: ClinVar variation 5029193 (VCV005029193.1).